The following is an entry in ClinVar:

ClinVar aggregate classification (germline): Uncertain significance (1 of 4 stars; one submission).

Submission:

Labcorp Genetics (formerly Invitae), Labcorp
Classification: Uncertain significance. Last evaluated: 2025-06-20. Review status: criteria provided, single submitter. Criteria: Invitae Variant Classification Sherloc (09022015). Collection method: clinical testing. Allele origin: germline.
Comment: This sequence change replaces serine, which is neutral and polar, with asparagine, which is neutral and polar, at codon 715 of the AP3B2 protein (p.Ser715Asn). This variant is not present in population databases (gnomAD no frequency). This variant has not been reported in the literature in individuals affected with AP3B2-related conditions. ClinVar contains an entry for this variant (Variation ID: 2079618). An algorithm developed to predict the effect of missense changes on protein structure and function (PolyPhen-2) suggests that this variant is likely to be tolerated. In summary, the available evidence is currently insufficient to determine the role of this variant in disease. Therefore, it has been classified as a Variant of Uncertain Significance.

NM_001278512.2(AP3B2):c.2201G>A (p.Ser734Asn)

Genes: AP3B2 (adaptor related protein complex 3 subunit beta 2; minus strand), CPEB1-AS1 (CPEB1 antisense RNA 1; plus strand). Cytogenetic location: 15q25.2.
Variant type: single nucleotide variant.
Coding change: c.2201G>A on transcript NM_001278512.2 (MANE Select); coding-DNA position 2201, G replaced by A.
Protein change: p.Ser734Asn; replaces serine 734 with asparagine.
Molecular consequence: missense variant.
Genome position (GRCh38, 1-based): chr15:82,664,427, C>T on the plus strand (G>A on the coding strand, the complement: AP3B2 is on the minus strand). VCF-style: chr15-82664427-C-T. GRCh37 (hg19) VCF-style: chr15-83333179-C-T.
Other names: c.2048G>A, p.Ser683Asn (NM_001278511.2); c.2144G>A, p.Ser715Asn (NM_004644.5); short protein forms S683N, S734N, S715N.
Identifiers: ClinVar variation 2079618 (VCV002079618.4), dbSNP rs1007036618, ClinGen allele CA273482947.